The following is an entry in ClinVar:

NM_003059.3(SLC22A4):c.457G>A (p.Val153Met)

Genes: MIR3936HG (MIR3936 host gene; minus strand), SLC22A4 (solute carrier family 22 member 4; plus strand). Cytogenetic location: 5q31.1.
Variant type: single nucleotide variant.
Coding change: c.457G>A on transcript NM_003059.3 (MANE Select); coding-DNA position 457, G replaced by A.
Protein change: p.Val153Met; replaces valine 153 with methionine.
Molecular consequence: missense variant. On other transcripts: non-coding transcript variant (1).
Genome position (GRCh38, 1-based): chr5:132,312,224, G>A. VCF-style: chr5-132312224-G-A. GRCh37 (hg19) VCF-style: chr5-131647917-G-A.
Other names: short protein forms V153M.
Identifiers: ClinVar variation 4698345 (VCV004698345.1).

ClinVar aggregate classification (germline): Uncertain significance (1 of 4 stars; one submission).

Submission:

Labcorp Genetics (formerly Invitae), Labcorp
Classification: Uncertain significance. Last evaluated: 2025-02-13. Review status: criteria provided, single submitter. Criteria: Invitae Variant Classification Sherloc (09022015). Collection method: clinical testing. Allele origin: germline.
Comment: This sequence change replaces valine, which is neutral and non-polar, with methionine, which is neutral and non-polar, at codon 153 of the SLC22A4 protein (p.Val153Met). This variant is present in population databases (no rsID available, gnomAD 0.003%). This variant has not been reported in the literature in individuals affected with SLC22A4-related conditions. Invitae Evidence Modeling of protein sequence and biophysical properties (such as structural, functional, and spatial information, amino acid conservation, physicochemical variation, residue mobility, and thermodynamic stability) indicates that this missense variant is not expected to disrupt SLC22A4 protein function with a negative predictive value of 80%. In summary, the available evidence is currently insufficient to determine the role of this variant in disease. Therefore, it has been classified as a Variant of Uncertain Significance.